The following is an entry in ClinVar:

ClinVar aggregate classification (germline): Uncertain significance (1 of 4 stars; one submission).

Submission:

Labcorp Genetics (formerly Invitae), Labcorp
Classification: Uncertain significance. Last evaluated: 2021-10-27. Review status: criteria provided, single submitter. Criteria: Invitae Variant Classification Sherloc (09022015). Collection method: clinical testing. Allele origin: germline.
Comment: In summary, the available evidence is currently insufficient to determine the role of this variant in disease. Therefore, it has been classified as a Variant of Uncertain Significance. Algorithms developed to predict the effect of missense changes on protein structure and function (SIFT, PolyPhen-2, Align-GVGD) all suggest that this variant is likely to be disruptive. This variant has not been reported in the literature in individuals affected with LTBP2-related conditions. This variant is not present in population databases (gnomAD no frequency). This sequence change replaces cysteine, a(n) neutral and slightly polar amino acid, with arginine, a(n) basic and polar amino acid, at codon 1436 of the LTBP2 protein (p.Cys1436Arg).

NM_000428.3(LTBP2):c.4306T>C (p.Cys1436Arg)

Gene: LTBP2 (latent transforming growth factor beta binding protein 2; minus strand). Cytogenetic location: 14q24.3.
Variant type: single nucleotide variant.
Coding change: c.4306T>C on transcript NM_000428.3 (MANE Select); coding-DNA position 4306, T replaced by C.
Protein change: p.Cys1436Arg; replaces cysteine 1436 with arginine.
Molecular consequence: missense variant.
Genome position (GRCh38, 1-based): chr14:74,505,046, A>G on the plus strand (T>C on the coding strand, the complement: LTBP2 is on the minus strand). VCF-style: chr14-74505046-A-G. GRCh37 (hg19) VCF-style: chr14-74971749-A-G.
Other names: short protein forms C1436R.
Identifiers: ClinVar variation 1496939 (VCV001496939.6), dbSNP rs2139689912, ClinGen allele CA390385933.
Genomic context (GRCh38, chr14:74,505,046, plus strand): 5'-AGTCCTCAGACGGGCAGAGGTCACAGGCATCTCCCCAGCTAGCGCCCTGGGTGCAGCAGC[A>G]TTCAGCCTGTGTGGTGTTCCGGCCCAGGACACTGGAGCAGGGCGCATGGCCCTTCTGCCC-3'
Protein context (NP_000419.1, residues 1426-1446): VLGRNTTQAE[Cys1436Arg]CCTQGASWGD